The following is an entry in ClinVar:

ClinVar aggregate classification (germline): Likely benign (1 of 4 stars; one submission).

Allele frequency attached by ClinVar (database versions not stated): gnomAD exomes below 0.00001.
gnomAD v4.1: 1 of 1,600,574 alleles (0.000062%); highest among the groups gnomAD compares: Non-Finnish European, 0.000085%; no homozygotes.

Submission:

CeGaT Center for Human Genetics Tuebingen
Classification: Likely benign. Last evaluated: 2023-03-01. Review status: criteria provided, single submitter. Criteria: CeGaT Center For Human Genetics Tuebingen Variant Classification Criteria Version 2. Collection method: clinical testing. Allele origin: germline. Affected: yes. Observed: 1 variant allele.
Comment: ASAP1: PM2:Supporting, BP4, BP7

NM_018482.4(ASAP1):c.2814C>T (p.Asp938=)

Gene: ASAP1 (ArfGAP with SH3 domain, ankyrin repeat and PH domain 1; minus strand). Cytogenetic location: 8q24.21.
Variant type: single nucleotide variant.
Coding change: c.2814C>T on transcript NM_018482.4 (MANE Select); coding-DNA position 2814, C replaced by T.
Protein change: p.Asp938=; no amino-acid change (aspartic acid 938 retained).
Molecular consequence: synonymous variant.
Genome position (GRCh38, 1-based): chr8:130,060,957, G>A on the plus strand (C>T on the coding strand, the complement: ASAP1 is on the minus strand). VCF-style: chr8-130060957-G-A. GRCh37 (hg19) VCF-style: chr8-131073203-G-A.
Other names: c.2793C>T, p.Asp931= (NM_001247996.2); c.2823C>T, p.Asp941= (NM_001362924.1); c.2652C>T, p.Asp884= (NM_001362925.2); c.2643C>T, p.Asp881= (NM_001362926.2).
Identifiers: ClinVar variation 2658817 (VCV002658817.24), dbSNP rs2540243696, ClinGen allele CA463213889.